The following is an entry in ClinVar:

NM_002778.4(PSAP):c.398C>G (p.Ser133Cys)

Gene: PSAP (prosaposin; minus strand). Cytogenetic location: 10q22.1.
Variant type: single nucleotide variant.
Coding change: c.398C>G on transcript NM_002778.4 (MANE Select); coding-DNA position 398, C replaced by G.
Protein change: p.Ser133Cys; replaces serine 133 with cysteine.
Molecular consequence: missense variant.
Genome position (GRCh38, 1-based): chr10:71,829,055, G>C on the plus strand (C>G on the coding strand, the complement: PSAP is on the minus strand). VCF-style: chr10-71829055-G-C. GRCh37 (hg19) VCF-style: chr10-73588812-G-C.
Other names: c.398C>G, p.Ser133Cys (NM_001042465.3, NM_001042466.3); short protein forms S133C.
Identifiers: ClinVar variation 2416127 (VCV002416127.5), dbSNP rs754052791, ClinGen allele CA5547780.

ClinVar aggregate classification (germline): Uncertain significance. Review status: criteria provided, multiple submitters, no conflicts (2 of 4 stars). 2 submissions from 2 submitters: Uncertain significance (2). Last evaluated 2024-06-25.

Conditions:
Sphingolipid activator protein 1 deficiency. Also called: Saposin B Deficiency; METACHROMATIC LEUKODYSTROPHY DUE TO CEREBROSIDE SULFATASE ACTIVATOR DEFICIENCY; Metachromatic leukodystrophy due to saposin B deficiency. Identifiers: Orphanet 512, MedGen C0268262, MONDO:0009590, OMIM 249900.

Allele frequency attached by ClinVar (database versions not stated): gnomAD exomes below 0.00001; ExAC 0.00002.
gnomAD v4.1: 2 of 1,614,120 alleles (0.00012%); highest among the groups gnomAD compares: Non-Finnish European, 0.00017%; no homozygotes.

Submissions (2):

Blueprint Genetics
Classification: Uncertain significance. Last evaluated: 2024-06-25. Review status: criteria provided, single submitter. Criteria: ACMG Guidelines, 2015. Collection method: clinical testing. Allele origin: germline.

Labcorp Genetics (formerly Invitae), Labcorp
Classification: Uncertain significance for Sphingolipid activator protein 1 deficiency. Last evaluated: 2022-06-07. Review status: criteria provided, single submitter. Criteria: Invitae Variant Classification Sherloc (09022015). Collection method: clinical testing. Allele origin: germline.
Comment: This sequence change replaces serine, which is neutral and polar, with cysteine, which is neutral and slightly polar, at codon 133 of the PSAP protein (p.Ser133Cys). This variant is present in population databases (rs754052791, gnomAD 0.002%). This variant has not been reported in the literature in individuals affected with PSAP-related conditions. Algorithms developed to predict the effect of missense changes on protein structure and function are either unavailable or do not agree on the potential impact of this missense change (SIFT: "Not Available"; PolyPhen-2: "Probably Damaging"; Align-GVGD: "Not Available"). In summary, the available evidence is currently insufficient to determine the role of this variant in disease. Therefore, it has been classified as a Variant of Uncertain Significance.